The following is an entry in ClinVar:

ClinVar aggregate classification (germline): Uncertain significance. Review status: criteria provided, multiple submitters, no conflicts (2 of 4 stars). 2 submissions from 2 submitters: Uncertain significance (2). Last evaluated 2025-08-26.

Conditions:
Saldino-Mainzer syndrome (SRTD9). Also called: Renal dysplasia, retinal pigmentary dystrophy, cerebellar ataxia and skeletal dysplasia; short-rib thoracic dysplasia 9 with or without polydactyly; SHORT-RIB THORACIC DYSPLASIA 9 WITHOUT POLYDACTYLY; CONORENAL SYNDROME. Identifiers: Orphanet 140969, MedGen C1849437, MONDO:0009964, OMIM 266920.
IFT140-related disorder. Also called: IFT140-related condition.

Allele frequency attached by ClinVar (database versions not stated): gnomAD 0.00001; gnomAD exomes 0.00001; TOPMed 0.00001.
gnomAD v4.1: 12 of 1,609,812 alleles (0.00075%); highest among the groups gnomAD compares: Non-Finnish European, 0.00076%; no homozygotes.

Submissions (2):

Labcorp Genetics (formerly Invitae), Labcorp
Classification: Uncertain significance for Saldino-Mainzer syndrome. Last evaluated: 2025-08-26. Review status: criteria provided, single submitter. Criteria: Invitae Variant Classification Sherloc (09022015). Collection method: clinical testing. Allele origin: germline.
Comment: This sequence change replaces alanine, which is neutral and non-polar, with valine, which is neutral and non-polar, at codon 1171 of the IFT140 protein (p.Ala1171Val). This variant is not present in population databases (gnomAD no frequency). This variant has not been reported in the literature in individuals affected with IFT140-related conditions. ClinVar contains an entry for this variant (Variation ID: 1395493). Invitae Evidence Modeling of protein sequence and biophysical properties (such as structural, functional, and spatial information, amino acid conservation, physicochemical variation, residue mobility, and thermodynamic stability) indicates that this missense variant is not expected to disrupt IFT140 protein function with a negative predictive value of 95%. In summary, the available evidence is currently insufficient to determine the role of this variant in disease. Therefore, it has been classified as a Variant of Uncertain Significance.

PreventionGenetics, part of Exact Sciences
Classification: Uncertain significance for IFT140-related condition. Last evaluated: 2025-01-24. Review status: criteria provided, single submitter. Criteria: ACMG Guidelines, 2015. Collection method: clinical testing. Allele origin: germline.
Comment: The IFT140 c.3512C>T variant is predicted to result in the amino acid substitution p.Ala1171Val. To our knowledge, this variant has not been reported in the literature or in a large population database (gnomAD), indicating this variant is rare. At this time, the clinical significance of this variant is uncertain due to the absence of conclusive functional and genetic evidence.

NM_014714.4(IFT140):c.3512C>T (p.Ala1171Val)

Gene: IFT140 (intraflagellar transport 140; minus strand). Cytogenetic location: 16p13.3.
Variant type: single nucleotide variant.
Coding change: c.3512C>T on transcript NM_014714.4 (MANE Select); coding-DNA position 3512, C replaced by T.
Protein change: p.Ala1171Val; replaces alanine 1171 with valine.
Molecular consequence: missense variant.
Genome position (GRCh38, 1-based): chr16:1,520,750, G>A on the plus strand (C>T on the coding strand, the complement: IFT140 is on the minus strand). VCF-style: chr16-1520750-G-A. GRCh37 (hg19) VCF-style: chr16-1570751-G-A.
Other names: c.3512C>T (NM_014714.3); short protein forms A1171V.
Identifiers: ClinVar variation 1395493 (VCV001395493.5), dbSNP rs1158940284, ClinGen allele CA394224993.